The following is an entry in ClinVar:

ClinVar aggregate classification (germline): Conflicting classifications of pathogenicity. Review status: criteria provided, conflicting classifications (1 of 4 stars). 3 submissions from 2 submitters: Uncertain significance (2); Likely benign (1). Last evaluated 2024-07-04.

Conditions:
Aspergillosis, susceptibility to. Identifiers: Orphanet 1163, MedGen C3279774, MONDO:0013562, OMIM 614079.
Familial chronic mucocutaneous candidiasis (CANDF4). Also called: Candidiasis, familial, 4; Candidiasis familial chronic mucocutaneous, autosomal recessive; Candidiasis, familial, 4, autosomal recessive. Identifiers: Orphanet 1334, MedGen C0341024, MONDO:0013140, OMIM 613108.

Allele frequency attached by ClinVar (database versions not stated): gnomAD exomes 0.00006 and 0.00011; ExAC 0.00015; ESP Exome Variant Server 0.00023; gnomAD 0.00025 and 0.00029; TOPMed 0.00028.
gnomAD v4.1: 137 of 1,613,418 alleles (0.0085%); highest among the groups gnomAD compares: Middle Eastern, 0.099%; no homozygotes.

Submissions (3):

Blueprint Genetics
Classification: Likely benign. Last evaluated: 2024-07-04. Review status: criteria provided, single submitter. Criteria: ACMG Guidelines, 2015. Collection method: clinical testing. Allele origin: germline.

Center for Genomics, Ann and Robert H. Lurie Children's Hospital of Chicago
Classification: Uncertain significance for Familial chronic mucocutaneous candidiasis. Last evaluated: 2017-11-02. Review status: criteria provided, single submitter. Criteria: ACMG Guidelines, 2015. Collection method: clinical testing. Allele origin: germline.
Comment: CLEC7A NM_197947.2 exon 4 p.Leu138= (c.414A>G): This variant has not been reported in the literature but is present in 15/24020 African alleles in the Genome Aggregation Database. Evolutionary conservation and computational predictive tools for this variant are limited or unavailable. Of note, this variant is a silent variant and does not change the amino acid, reducing the probability that this variant is disease causing. In summary, data on this variant is insufficient for disease classification. Therefore, the clinical significance of this variant is uncertain.

Center for Genomics, Ann and Robert H. Lurie Children's Hospital of Chicago
Classification: Uncertain significance for Familial chronic mucocutaneous candidiasis; Aspergillosis, susceptibility to. Review status: criteria provided, single submitter. Criteria: ACMG Guidelines, 2015. Collection method: clinical testing. Allele origin: germline.
Comment: CLEC7A NM_197947 exon 4 p.Leu138Leu (c.414A>G): This variant has not been reported in the literature but is present in 15/24020 African alleles in the Genome Aggregation Database. Evolutionary conservation and computational predictive tools for this variant are limited or unavailable. Of note, this variant is a silent variant and does not change the amino acid, reducing the probability that this variant is disease causing. In summary, data on this variant is insufficient for disease classification. Therefore, the clinical significance of this variant is uncertain.

NM_197947.3(CLEC7A):c.414A>G (p.Leu138=)

Gene: CLEC7A (C-type lectin domain containing 7A; minus strand). Cytogenetic location: 12p13.2.
Variant type: single nucleotide variant.
Coding change: c.414A>G on transcript NM_197947.3 (MANE Select); coding-DNA position 414, A replaced by G.
Protein change: p.Leu138=; no amino-acid change (leucine 138 retained).
Molecular consequence: synonymous variant. On other transcripts: non-coding transcript variant (1).
Genome position (GRCh38, 1-based): chr12:10,125,375, T>C on the plus strand (A>G on the coding strand, the complement: CLEC7A is on the minus strand). VCF-style: chr12-10125375-T-C. GRCh37 (hg19) VCF-style: chr12-10277974-T-C.
Other names: c.276A>G, p.Leu92= (NM_022570.5, NM_197949.3); c.414A>G, p.Leu138= (NM_197948.3); c.177A>G, p.Leu59= (NM_197950.3).
Identifiers: ClinVar variation 626087 (VCV000626087.4), dbSNP rs143893294, ClinGen allele CA6444032.
Genomic context (GRCh38, chr12:10,125,375, plus strand): 5'-TATCTTTAGGAGATTAGAGCCCAGTTGCCAGCATTGTCTTTTACTTCCATCCCAGGAATT[T>C]AGTGACATGCTGAATAGATAACAGCTCTTCTCATATATAATCCAATTAGGAGGACAAGGG-3'
Protein context (NP_922938.1, residues 128-148): EKSCYLFSMS[Leu138=]NSWDGSKRQC